The following continues an entry in ClinVar:

NC_012920.1(MT-TS1):m.7471dup

Gene: MT-TS1. ClinVar aggregate classification (germline): Pathogenic. Pathogenic (1).

Submissions 9 to 15 of 15:

Wong Mito Lab, Molecular and Human Genetics, Baylor College of Medicine
Classification: Pathogenic for MELAS syndrome. Last evaluated: 2019-07-12. Review status: criteria provided, single submitter. Criteria: Modified ACMG Guidelines (Unpublished). Collection method: clinical testing. Allele origin: germline. Not counted in ClinVar's aggregate classification.
Comment: The NC_012920.1:m.7471dupC variant in MT-TS1 gene is interpreted to be a Pathogenic variant based on the modified ACMG guidelines (unpublished). This variant meets the following evidence codes reported in the guidelines: PS3, PS5

Laboratory for Molecular Medicine, Mass General Brigham Personalized Medicine
Classification: Pathogenic for Rare genetic deafness. Last evaluated: 2011-10-04. Review status: criteria provided, single submitter. Criteria: LMM Criteria. Collection method: clinical testing. Allele origin: germline. Inheritance: Mitochondrial inheritance. Observed: 4 variant alleles. Not counted in ClinVar's aggregate classification.
Comment: The 7471_7472insC variant in the MTTS1 gene has been reported in 14 probands aff ected with either hearing loss, neurological abnormalities, or both, is absent i n 1381 controls, and cosegregates with disease in affected family members (Tiran ti 1995, Ensinke 1998, Jaksch 1998, Verhoeven 1999, Fetoni 2004, Jacobs 2005, Pu lkes 2005, Cardaioli 2006, Leveque 2007, Swalwell 2008, Valente 2009). In additi on, functional analyses of muscle biopsies from affected individuals and in vitr o mitochondrial clones harboring the variant reveal deficiency in COX and defect ive mitochondrial respiration (Tiranti 1995, Jaksch 1998, Fetoni 2004, Pulkes 20 05, Valente 2009). In summary, this variant meets our criteria to be classified as pathogenic.

Hadassah Hebrew University Medical Center
Classification: Pathogenic for Mitochondrial hearing loss. Review status: criteria provided, single submitter. Criteria: ACMG Guidelines, 2015. Collection method: research. Allele origin: maternal. Affected: no. Observed: 1 variant allele. Not counted in ClinVar's aggregate classification.

OMIM
Classification: Pathogenic for MITOCHONDRIAL CYTOCHROME c OXIDASE DEFICIENCY. Last evaluated: 2001-05-01. Review status: no assertion criteria provided. Collection method: literature only. Allele origin: germline. Not counted in ClinVar's aggregate classification.

OMIM
Classification: Pathogenic for DEAFNESS, SENSORINEURAL, WITH NEUROLOGIC FEATURES. Last evaluated: 2001-05-01. Review status: no assertion criteria provided. Collection method: literature only. Allele origin: germline. Not counted in ClinVar's aggregate classification.

OMIM
Classification: Pathogenic for DEAFNESS, NONSYNDROMIC SENSORINEURAL, MITOCHONDRIAL. Last evaluated: 2001-05-01. Review status: no assertion criteria provided. Collection method: literature only. Allele origin: germline. Not counted in ClinVar's aggregate classification.

GeneReviews
No classification provided. Condition: Mitochondrial non-syndromic sensorineural hearing loss. Review status: no classification provided. Collection method: literature only. Allele origin: maternal. Not counted in ClinVar's aggregate classification.

Literature cited by the submitters: PubMed 18977334 (cited by 3billion and Laboratory for Molecular Medicine, Mass General Brigham Personalized Medicine); PubMed 17637808 (cited by 3 submitters); PubMed 15482956 (cited by 3 submitters); PubMed 7581383 (cited by 5 submitters); PubMed 10094190 (cited by 5 submitters); PubMed 15833431 (cited by 3 submitters); PubMed 15292920 (cited by 4 submitters); PubMed 9708714 (cited by 3 submitters); PubMed 9778262 (cited by 3 submitters); PubMed 9778273 (cited by Illumina Laboratory Services, Illumina and Laboratory for Molecular Medicine, Mass General Brigham Personalized Medicine); PubMed 11378827 (cited by 3 submitters); PubMed 10545608 (cited by 3 submitters); PubMed 16368237 (cited by Illumina Laboratory Services, Illumina and Laboratory for Molecular Medicine, Mass General Brigham Personalized Medicine); PubMed 9832034 (cited by 3 submitters); PubMed 31965079 (cited by Wong Mito Lab, Molecular and Human Genetics, Baylor College of Medicine); PubMed 20064630 (cited by Laboratory for Molecular Medicine, Mass General Brigham Personalized Medicine); PubMed 18398437 (cited by Laboratory for Molecular Medicine, Mass General Brigham Personalized Medicine); PubMed 11919191 (cited by Laboratory for Molecular Medicine, Mass General Brigham Personalized Medicine); PubMed 19718780 (cited by Laboratory for Molecular Medicine, Mass General Brigham Personalized Medicine); PubMed 20301595 (cited by GeneReviews).